The following is an entry in ClinVar:

ClinVar aggregate classification (germline): Pathogenic. Review status: criteria provided, multiple submitters, no conflicts (2 of 4 stars). 3 submissions from 3 submitters: Pathogenic (2). 1 of the submissions does not count toward it. Last evaluated 2024-12-30.

Conditions:
Cystic fibrosis (CF). Also called: MUCOVISCIDOSIS. Identifiers: Orphanet 586, MedGen C0010674, MONDO:0009061, OMIM 219700. Disease mechanism: loss of function.

Submissions (3):

Women's Health and Genetics/Laboratory Corporation of America, LabCorp
Classification: Pathogenic for Cystic fibrosis. Last evaluated: 2024-12-30. Review status: criteria provided, single submitter. Criteria: LabCorp Variant Classification Summary - May 2015. Collection method: clinical testing. Allele origin: germline.
Comment: Variant summary: CFTR c.1209G>C (p.Glu403Asp) results in a conservative amino acid change located in the P-loop containing nucleotide triphosphate hydrolases domain (IPR027417) of the encoded protein sequence. Three of five in-silico tools predict a damaging effect of the variant on protein function. Several computational tools predict a significant impact on normal splicing: Two predict the variant abolishes a canonical 5' splicing donor site. At least one publication reports experimental evidence that this variant affects mRNA splicing (example: Bergougnoux_JCF_2023). The variant was absent in 249772 control chromosomes. c.1209G>C has been reported in the literature in individuals affected with Cystic Fibrosis (examples: Frey_2021, Petrova_2019,Marechal_2001). These data indicate that the variant is likely to be associated with disease. Multiple studies have shown this variants affects normal protein expression (Bihler_2024 andBergougnoux_JCF_2023). The following publications have been ascertained in the context of this evaluation (PMID: 33431308, 32429104, 30548586, 11379874, 38388235, 36567205). ClinVar contains an entry for this variant (Variation ID: 53216). Based on the evidence outlined above, the variant was classified as pathogenic.

CFTR-France
Classification: Pathogenic for cystic fibrosis. Last evaluated: 2018-03-26. Review status: criteria provided, single submitter. Criteria: Claustres M et al. (Hum Mutat 2017). Collection method: curation. Allele origin: germline. Affected: yes.

ClinVar Staff, National Center for Biotechnology Information (NCBI)
No classification provided. Condition: CFTR-related disorders. Review status: no classification provided. Collection method: literature only. Allele origin: germline. Affected: yes. Not counted in ClinVar's aggregate classification.

Literature cited by the submitters: PubMed 11379874 (cited by Women's Health and Genetics/Laboratory Corporation of America, LabCorp and ClinVar Staff, National Center for Biotechnology Information (NCBI)); PubMed 30548586 (cited by Women's Health and Genetics/Laboratory Corporation of America, LabCorp); PubMed 32429104 (cited by Women's Health and Genetics/Laboratory Corporation of America, LabCorp); PubMed 36567205 (cited by Women's Health and Genetics/Laboratory Corporation of America, LabCorp); PubMed 38388235 (cited by Women's Health and Genetics/Laboratory Corporation of America, LabCorp); PubMed 33431308 (cited by Women's Health and Genetics/Laboratory Corporation of America, LabCorp).

NM_000492.4(CFTR):c.1209G>C (p.Glu403Asp)

Gene: CFTR (CF transmembrane conductance regulator; plus strand). Cytogenetic location: 7q31.2.
Variant type: single nucleotide variant.
Coding change: c.1209G>C on transcript NM_000492.4 (MANE Select); coding-DNA position 1209, G replaced by C.
Protein change: p.Glu403Asp; replaces glutamic acid 403 with aspartic acid.
Molecular consequence: missense variant.
Genome position (GRCh38, 1-based): chr7:117,542,108, G>C. VCF-style: chr7-117542108-G-C. GRCh37 (hg19) VCF-style: chr7-117182162-G-C.
Other names: short protein forms E403D.
Identifiers: ClinVar variation 53216 (VCV000053216.3), dbSNP rs397508177, ClinGen allele CA326435.